The following is an entry in ClinVar:

ClinVar aggregate classification (germline): Uncertain significance (1 of 4 stars; one submission).

Submission:

Labcorp Genetics (formerly Invitae), Labcorp
Classification: Uncertain significance. Last evaluated: 2023-08-03. Review status: criteria provided, single submitter. Criteria: Invitae Variant Classification Sherloc (09022015). Collection method: clinical testing. Allele origin: germline.
Comment: This sequence change replaces lysine, which is basic and polar, with asparagine, which is neutral and polar, at codon 88 of the MPV17 protein (p.Lys88Asn). This variant is not present in population databases (gnomAD no frequency). This variant has not been reported in the literature in individuals affected with MPV17-related conditions. An algorithm developed to predict the effect of missense changes on protein structure and function (PolyPhen-2) suggests that this variant is likely to be disruptive. In summary, the available evidence is currently insufficient to determine the role of this variant in disease. Therefore, it has been classified as a Variant of Uncertain Significance.

NM_002437.5(MPV17):c.264G>C (p.Lys88Asn)

Gene: MPV17 (mitochondrial inner membrane protein MPV17; minus strand). Cytogenetic location: 2p23.3.
Variant type: single nucleotide variant.
Coding change: c.264G>C on transcript NM_002437.5 (MANE Select); coding-DNA position 264, G replaced by C.
Protein change: p.Lys88Asn; replaces lysine 88 with asparagine.
Molecular consequence: missense variant.
Genome position (GRCh38, 1-based): chr2:27,312,695, C>G on the plus strand (G>C on the coding strand, the complement: MPV17 is on the minus strand). VCF-style: chr2-27312695-C-G. GRCh37 (hg19) VCF-style: chr2-27535562-C-G.
Other names: short protein forms K88N.
Identifiers: ClinVar variation 2749746 (VCV002749746.3), dbSNP rs1679498066, ClinGen allele CA346208534.